The following is an entry in ClinVar:

NM_002907.4(RECQL):c.553A>C (p.Lys185Gln)

Gene: RECQL (RecQ like helicase; minus strand). Cytogenetic location: 12p12.1.
Variant type: single nucleotide variant.
Coding change: c.553A>C on transcript NM_002907.4 (MANE Select); coding-DNA position 553, A replaced by C.
Protein change: p.Lys185Gln; replaces lysine 185 with glutamine.
Molecular consequence: missense variant.
Genome position (GRCh38, 1-based): chr12:21,483,523, T>G on the plus strand (A>C on the coding strand, the complement: RECQL is on the minus strand). VCF-style: chr12-21483523-T-G. GRCh37 (hg19) VCF-style: chr12-21636457-T-G.
Other names: c.553A>C, p.Lys185Gln (NM_032941.3); short protein forms K185Q.
Identifiers: ClinVar variation 1748178 (VCV001748178.2), dbSNP rs758177519, ClinGen allele CA6479031.

ClinVar aggregate classification (germline): Uncertain significance (1 of 4 stars; one submission).

Allele frequency attached by ClinVar (database versions not stated): ExAC 0.00001; gnomAD 0.00001; gnomAD exomes 0.00001.
gnomAD v4.1: 4 of 1,581,788 alleles (0.00025%); highest among the groups gnomAD compares: Non-Finnish European, 0.00034%; no homozygotes.

Submission:

Ambry Genetics
Classification: Uncertain significance. Last evaluated: 2022-03-16. Review status: criteria provided, single submitter. Criteria: Ambry Variant Classification Scheme 2023. Collection method: clinical testing. Allele origin: germline.
Comment: The p.K185Q variant (also known as c.553A>C), located in coding exon 5 of the RECQL gene, results from an A to C substitution at nucleotide position 553. The lysine at codon 185 is replaced by glutamine, an amino acid with similar properties. This amino acid position is conserved. In addition, this alteration is predicted to be tolerated by in silico analysis. Since supporting evidence is limited at this time, the clinical significance of this alteration remains unclear.